The following is an entry in ClinVar:

ClinVar aggregate classification (germline): Uncertain significance. Review status: criteria provided, multiple submitters, no conflicts (2 of 4 stars). 2 submissions from 2 submitters: Uncertain significance (2). Last evaluated 2023-06-06.

Conditions:
Inborn genetic diseases. Identifiers: MedGen C0950123, MeSH D030342.

Allele frequency attached by ClinVar (database versions not stated): gnomAD exomes 0.00005; gnomAD 0.00001; TOPMed 0.00002.
gnomAD v4.1: 47 of 1,128,062 alleles (0.0042%); highest among the groups gnomAD compares: Non-Finnish European, 0.0049%; no homozygotes.

Submissions (2):

Labcorp Genetics (formerly Invitae), Labcorp
Classification: Uncertain significance. Last evaluated: 2023-06-06. Review status: criteria provided, single submitter. Criteria: Invitae Variant Classification Sherloc (09022015). Collection method: clinical testing. Allele origin: germline.
Comment: This sequence change replaces proline, which is neutral and non-polar, with threonine, which is neutral and polar, at codon 257 of the KCNC3 protein (p.Pro257Thr). In summary, the available evidence is currently insufficient to determine the role of this variant in disease. Therefore, it has been classified as a Variant of Uncertain Significance. Advanced modeling of protein sequence and biophysical properties (such as structural, functional, and spatial information, amino acid conservation, physicochemical variation, residue mobility, and thermodynamic stability) performed at Invitae indicates that this missense variant is not expected to disrupt KCNC3 protein function. ClinVar contains an entry for this variant (Variation ID: 521572). This missense change has been observed in individual(s) with clinical features of spinocerebellar ataxia (Invitae). This variant is present in population databases (no rsID available, gnomAD 0.01%).

Ambry Genetics
Classification: Uncertain significance for Inborn genetic diseases. Last evaluated: 2017-02-10. Review status: criteria provided, single submitter. Criteria: Ambry exome assertion method (8-5-2015). Collection method: clinical testing. Allele origin: germline. Affected: yes. Observed: 1 variant allele.

NM_004977.3(KCNC3):c.769C>A (p.Pro257Thr)

Genes: KCNC3 (potassium voltage-gated channel subfamily C member 3; minus strand), LOC130064972 (ATAC-STARR-seq lymphoblastoid silent region 10954; plus strand). Cytogenetic location: 19q13.33.
Variant type: single nucleotide variant.
Coding change: c.769C>A on transcript NM_004977.3 (MANE Select); coding-DNA position 769, C replaced by A.
Protein change: p.Pro257Thr; replaces proline 257 with threonine.
Molecular consequence: missense variant.
Genome position (GRCh38, 1-based): chr19:50,328,314, G>T on the plus strand (C>A on the coding strand, the complement: KCNC3 is on the minus strand). VCF-style: chr19-50328314-G-T. GRCh37 (hg19) VCF-style: chr19-50831571-G-T.
Other names: c.541C>A, p.Pro181Thr (NM_001372305.1); short protein forms P257T, P181T.
Identifiers: ClinVar variation 521572 (VCV000521572.11), dbSNP rs1232558368, ClinGen allele CA406954078.